The following is an entry in ClinVar:

ClinVar aggregate classification (germline): Uncertain significance. Review status: criteria provided, multiple submitters, no conflicts (2 of 4 stars). 2 submissions from 2 submitters: Uncertain significance (2). Last evaluated 2025-06-30.

Conditions:
Malignant hyperthermia, susceptibility to, 1 (MHS1). Also called: Anesthesia related hyperthermia; Malignant hyperpyrexia; Fulminating hyperpyrexia; Pharmacogenic myopathy; Malignant hyperthermia suceptibility 1; RYR1-Related Malignant Hyperthermia Susceptibility. Identifiers: Orphanet 423, MedGen C2930980, MONDO:0007783, OMIM 145600.
RYR1-related disorder. Also called: RYR1-related disorders; RYR1-related condition. Identifiers: MedGen CN239331.

Allele frequency attached by ClinVar (database versions not stated): gnomAD exomes below 0.00001 and 0.00001; ExAC 0.00001; gnomAD 0.00001; TOPMed 0.00002.
gnomAD v4.1: 3 of 1,614,022 alleles (0.00019%); highest among the groups gnomAD compares: East Asian, 0.0067%; no homozygotes.

Submissions (2):

Color Diagnostics, LLC DBA Color Health
Classification: Uncertain significance for Malignant hyperthermia, susceptibility to, 1. Last evaluated: 2025-06-30. Review status: criteria provided, single submitter. Criteria: ACMG Guidelines, 2015. Collection method: clinical testing. Allele origin: germline.
Comment: This missense variant replaces glutamic acid with aspartic acid at codon 2803 of the RYR1 protein. Computational prediction is inconclusive regarding the impact of this variant on protein structure and function. To our knowledge, functional studies have not been reported for this variant. This variant has not been reported in individuals affected with RYR1-related disorders in the literature. This variant has been identified in 2/251366 chromosomes in the general population by the Genome Aggregation Database (gnomAD). The available evidence is insufficient to determine the role of this variant in disease conclusively. Therefore, this variant is classified as a Variant of Uncertain Significance.

Labcorp Genetics (formerly Invitae), Labcorp
Classification: Uncertain significance for RYR1-related disorder. Last evaluated: 2022-06-03. Review status: criteria provided, single submitter. Criteria: Invitae Variant Classification Sherloc (09022015). Collection method: clinical testing. Allele origin: germline.
Comment: In summary, the available evidence is currently insufficient to determine the role of this variant in disease. Therefore, it has been classified as a Variant of Uncertain Significance. Advanced modeling of protein sequence and biophysical properties (such as structural, functional, and spatial information, amino acid conservation, physicochemical variation, residue mobility, and thermodynamic stability) performed at Invitae indicates that this missense variant is not expected to disrupt RYR1 protein function. ClinVar contains an entry for this variant (Variation ID: 1408222). This variant has not been reported in the literature in individuals affected with RYR1-related conditions. This variant is present in population databases (rs755616009, gnomAD 0.01%). This sequence change replaces glutamic acid, which is acidic and polar, with aspartic acid, which is acidic and polar, at codon 2803 of the RYR1 protein (p.Glu2803Asp).

NM_000540.3(RYR1):c.8409G>T (p.Glu2803Asp)

Genes: RYR1 (ryanodine receptor 1; plus strand), LOC126862902 (BRD4-independent group 4 enhancer GRCh37_chr19:38995830-38997029; plus strand). Cytogenetic location: 19q13.2.
Variant type: single nucleotide variant.
Coding change: c.8409G>T on transcript NM_000540.3 (MANE Select); coding-DNA position 8409, G replaced by T.
Protein change: p.Glu2803Asp; replaces glutamic acid 2803 with aspartic acid.
Molecular consequence: missense variant.
Genome position (GRCh38, 1-based): chr19:38,505,814, G>T. VCF-style: chr19-38505814-G-T. GRCh37 (hg19) VCF-style: chr19-38996454-G-T.
Other names: c.8409G>T, p.Glu2803Asp (NM_001042723.2); short protein forms E2803D.
Identifiers: ClinVar variation 1408222 (VCV001408222.8), dbSNP rs755616009, ClinGen allele CA072000.